The following is an entry in ClinVar:

NM_000051.4(ATM):c.9079_9080del (p.Ser3027fs)

Genes: ATM (ATM serine/threonine kinase; plus strand), C11orf65 (chromosome 11 open reading frame 65; minus strand). Cytogenetic location: 11q22.3.
Variant type: Deletion.
Coding change: c.9079_9080del on transcript NM_000051.4 (MANE Select); coding-DNA positions 9079 to 9080, 2 bases deleted (AG; older notation c.9079_9080delAG).
Protein change: p.Ser3027fs; shifts the reading frame from serine 3027.
Molecular consequence: frameshift variant. On other transcripts: intron variant (2).
Genome position (GRCh38, 1-based): chr11:108,365,416-108,365,417, AG deleted. VCF-style (leftmost placement, unchanged base first): chr11-108365415-CAG-C. GRCh37 (hg19) VCF-style: chr11-108236142-CAG-C.
Other names: c.9079_9080delAG, p.Ser3027Cysfs (NM_000051.3); c.9079_9080del, p.Ser3027fs (NM_001351834.2); c.640+20503_640+20504del (NM_001330368.2); c.694+20503_694+20504del (NM_001351110.2); short protein forms S3027fs.
Identifiers: ClinVar variation 822984 (VCV000822984.7), dbSNP rs1591387609, ClinGen allele CA915947679.

ClinVar aggregate classification (germline): Pathogenic/Likely pathogenic. Review status: criteria provided, multiple submitters, no conflicts (2 of 4 stars). 3 submissions from 3 submitters: Pathogenic (1); Likely pathogenic (2). Last evaluated 2024-02-06.

Conditions:
Hereditary cancer-predisposing syndrome. Also called: Tumor predisposition; Neoplastic Syndromes, Hereditary; Hereditary Cancer Syndrome; Hereditary neoplastic syndrome. Identifiers: Orphanet 140162, MedGen C0027672, MeSH D009386, MONDO:0015356.
Familial cancer of breast. Also called: Hereditary breast cancer; BREAST CANCER, FAMILIAL; hereditary breast carcinoma. Identifiers: Orphanet 227535, MedGen C0346153, MONDO:0016419, OMIM 114480. Disease mechanism: loss of function.

Submissions (3):

Myriad Genetics, Inc.
Classification: Likely pathogenic for Familial cancer of breast. Last evaluated: 2024-02-06. Review status: criteria provided, single submitter. Criteria: Myriad Autosomal Dominant, Autosomal Recessive and X-Linked Classification Criteria (2023). Collection method: clinical testing. Allele origin: unknown.
Comment: This variant is considered likely pathogenic. This variant creates a frameshift predicted to result in the incorporation of abnormal amino acid sequence into the protein product and abnormal protein elongation. This variant has been reported in multiple individuals with clinical features of gene-specific disease [PMID: 16266405, 25614872, 15039971, 21965147].

Quest Diagnostics Nichols Institute San Juan Capistrano
Classification: Likely pathogenic. Last evaluated: 2024-01-18. Review status: criteria provided, single submitter. Criteria: Quest Diagnostics criteria. Collection method: clinical testing. Allele origin: unknown.
Comment: The ATM c.9079_9080del (p.Ser3027Cysfs*35) variant alters the translational reading frame of the ATM mRNA and is predicted to cause abnormal ATM protein elongation. This variant alters the sequence of the FATC domain which has been shown to be critical for ATM protein function (PMID: 16603769 (2006)). To the best of our knowledge, this variant has not been reported in the published literature. However, similar variants downstream that also result in protein elongation have been identified in individuals with breast cancer (PMID: 32868316 (2020), 32754152 (2020)). The ATM c.9079_9080del (p.Ser3027Cysfs*35) variant also has not been reported in large, multi-ethnic general populations (Genome Aggregation Database). Based on the available information, this variant is classified as likely pathogenic.

Ambry Genetics
Classification: Pathogenic for Hereditary cancer-predisposing syndrome. Last evaluated: 2018-10-11. Review status: criteria provided, single submitter. Criteria: Ambry Variant Classification Scheme 2023. Collection method: clinical testing. Allele origin: germline.
Comment: The c.9079_9080delAG pathogenic mutation, located in coding exon 62 of the ATM gene, results from a deletion of two nucleotides at nucleotide positions 9079 to 9080, causing a translational frameshift with a predicted alternate stop codon (p.S3027Cfs*35). This frameshift occurs near the 3' terminus of ATM and results in the elongation of the protein by 5 amino acids. This mutation alters the sequence of the FATC domain of the ATM protein which has been shown to be necessary for ATM regulation (Jiang XJ et al. Biol. Chem. 2006 Jun;281(23):15741-6). As such, this alteration is interpreted as a disease-causing mutation.

Literature cited by the submitters: PubMed 16266405 (cited by Myriad Genetics, Inc.); PubMed 25614872 (cited by Myriad Genetics, Inc.); PubMed 15039971 (cited by Myriad Genetics, Inc.); PubMed 21965147 (cited by Myriad Genetics, Inc.); PubMed 16603769 (cited by Quest Diagnostics Nichols Institute San Juan Capistrano); PubMed 32868316 (cited by Quest Diagnostics Nichols Institute San Juan Capistrano); PubMed 32754152 (cited by Quest Diagnostics Nichols Institute San Juan Capistrano).